The following is an entry in ClinVar:

NM_004415.4(DSP):c.4107G>C (p.Glu1369Asp)

Gene: DSP (desmoplakin; plus strand). Cytogenetic location: 6p24.3.
Variant type: single nucleotide variant.
Coding change: c.4107G>C on transcript NM_004415.4 (MANE Select); coding-DNA position 4107, G replaced by C.
Protein change: p.Glu1369Asp; replaces glutamic acid 1369 with aspartic acid.
Molecular consequence: missense variant. On other transcripts: intron variant (2).
Genome position (GRCh38, 1-based): chr6:7,580,297, G>C. VCF-style: chr6-7580297-G-C. GRCh37 (hg19) VCF-style: chr6-7580530-G-C.
Other names: c.4050+57G>C (NM_001319034.2); c.3582+525G>C (NM_001008844.3); short protein forms E1369D.
Identifiers: ClinVar variation 3386672 (VCV003386672.1).

ClinVar aggregate classification (germline): Uncertain significance (1 of 4 stars; one submission).

Conditions:
Arrhythmogenic cardiomyopathy with wooly hair and keratoderma. Also called: Carvajal syndrome; PALMOPLANTAR KERATODERMA WITH LEFT VENTRICULAR CARDIOMYOPATHY AND WOOLLY HAIR; Dilated cardiomyopathy with woolly hair and keratoderma; Arrhythmogenic cardiomyopathy with woolly hair and keratoderma. Identifiers: Orphanet 65282, MedGen C1854063, MONDO:0011581, OMIM 605676.

Submission:

All of Us Research Program, National Institutes of Health
Classification: Uncertain significance for Arrhythmogenic cardiomyopathy with wooly hair and keratoderma. Last evaluated: 2024-04-25. Review status: criteria provided, single submitter. Criteria: ACMG Guidelines, 2015. Collection method: clinical testing. Allele origin: germline. Inheritance: Autosomal dominant inheritance. Observed: 1 variant allele, 1 heterozygote.
Comment: This missense variant replaces glutamic acid with aspartic acid at codon 1369 of the DSP protein. Computational prediction suggests that this variant may not impact protein structure and function (internally defined REVEL score threshold <= 0.5, PMID: 27666373). To our knowledge, functional studies have not been reported for this variant. This variant has not been reported in individuals affected with DSP-related disorders in the literature. This variant has not been identified in the general population by the Genome Aggregation Database (gnomAD). The available evidence is insufficient to determine the role of this variant in disease conclusively. Therefore, this variant is classified as a Variant of Uncertain Significance.

This study involves interpretation of variants in research participants for the purpose of population health screening. Participant phenotype was not available at the time of variant classification. Additional details can be found in publication PMID: 35346344, PMCID: PMC8962531